The following is an entry in ClinVar:

NM_178138.6(LHX3):c.94G>A (p.Ala32Thr)

Gene: LHX3 (LIM homeobox 3; minus strand). Cytogenetic location: 9q34.3.
Variant type: single nucleotide variant.
Coding change: c.94G>A on transcript NM_178138.6 (MANE Select); coding-DNA position 94, G replaced by A.
Protein change: p.Ala32Thr; replaces alanine 32 with threonine.
Molecular consequence: missense variant.
Genome position (GRCh38, 1-based): chr9:136,200,739, C>T on the plus strand (G>A on the coding strand, the complement: LHX3 is on the minus strand). VCF-style: chr9-136200739-C-T. GRCh37 (hg19) VCF-style: chr9-139092585-C-T.
Other names: c.61G>A, p.Ala21Thr (NM_001363746.1); c.109G>A, p.Ala37Thr (NM_014564.5); short protein forms A21T, A32T, A37T.
Identifiers: ClinVar variation 1188623 (VCV001188623.3), dbSNP rs201187873, ClinGen allele CA5330601.

ClinVar aggregate classification (germline): Uncertain significance. Review status: criteria provided, single submitter (1 of 4 stars). 2 submissions from 2 submitters: Uncertain significance (1). 1 of the submissions does not count toward it. Last evaluated 2020-04-03.

Conditions:
Non-acquired combined pituitary hormone deficiency with spine abnormalities (CPHD3). Also called: Combined pituitary hormone deficiency type 3; Winkelman Bethge Pfeiffer syndrome; WBP syndrome. Identifiers: Orphanet 231720, MedGen C3489787, MONDO:0009091, OMIM 221750.

Allele frequency attached by ClinVar (database versions not stated): ExAC 0.00004; gnomAD exomes 0.00006; 1000 Genomes Project 30x 0.00031; 1000 Genomes Project 0.00040.

Submissions (2):

GeneDx
Classification: Uncertain significance. Last evaluated: 2020-04-03. Review status: criteria provided, single submitter. Criteria: GeneDx Variant Classification Process June 2021. Collection method: clinical testing. Allele origin: germline. Affected: yes.
Comment: Has not been previously published as pathogenic or benign to our knowledge; In silico analysis supports that this missense variant does not alter protein structure/function

Natera, Inc.
Classification: Uncertain significance for Combined pituitary hormone deficiency type 3. Last evaluated: 2020-04-13. Review status: no assertion criteria provided. Collection method: clinical testing. Allele origin: germline. Not counted in ClinVar's aggregate classification.